The following is an entry in ClinVar:

NM_001077350.3(NPRL3):c.1310G>A (p.Arg437His)

Genes: HBA-LCR (alpha-globin locus control region; plus strand), NPRL3 (NPR3 like, GATOR1 complex subunit; minus strand). Cytogenetic location: 16p13.3.
Variant type: single nucleotide variant.
Coding change: c.1310G>A on transcript NM_001077350.3 (MANE Select); coding-DNA position 1310, G replaced by A.
Protein change: p.Arg437His; replaces arginine 437 with histidine.
Molecular consequence: missense variant.
Genome position (GRCh38, 1-based): chr16:89,754, C>T on the plus strand (G>A on the coding strand, the complement: NPRL3 is on the minus strand). VCF-style: chr16-89754-C-T. GRCh37 (hg19) VCF-style: chr16-139752-C-T.
Other names: c.773G>A, p.Arg258His (NM_001039476.3); c.1076G>A, p.Arg359His (NM_001243247.2); c.1235G>A, p.Arg412His (NM_001243248.2, NM_001243249.2); short protein forms R412H, R258H, R437H, R359H.
Identifiers: ClinVar variation 2194416 (VCV002194416.4), dbSNP rs751207437, ClinGen allele CA7769375.

ClinVar aggregate classification (germline): Uncertain significance (1 of 4 stars; one submission).

Conditions:
Epilepsy, familial focal, with variable foci 3 (FFEVF3). Identifiers: MedGen C4310708, MONDO:0014925, OMIM 617118.

Allele frequency attached by ClinVar (database versions not stated): ExAC 0.00001; gnomAD 0.00001; gnomAD exomes 0.00001; TOPMed 0.00001.
gnomAD v4.1: 14 of 1,594,178 alleles (0.00088%); highest among the groups gnomAD compares: Admixed American, 0.0052%; no homozygotes.

Submission:

Labcorp Genetics (formerly Invitae), Labcorp
Classification: Uncertain significance for Epilepsy, familial focal, with variable foci 3. Last evaluated: 2026-01-12. Review status: criteria provided, single submitter. Criteria: Invitae Variant Classification Sherloc (09022015). Collection method: clinical testing. Allele origin: germline.
Comment: This sequence change replaces arginine, which is basic and polar, with histidine, which is basic and polar, at codon 437 of the NPRL3 protein (p.Arg437His). The frequency data for this variant in the population databases is considered unreliable, as metrics indicate poor data quality at this position in the gnomAD database. This variant has not been reported in the literature in individuals affected with NPRL3-related conditions. ClinVar contains an entry for this variant (Variation ID: 2194416). Invitae Evidence Modeling of protein sequence and biophysical properties (such as structural, functional, and spatial information, amino acid conservation, physicochemical variation, residue mobility, and thermodynamic stability) indicates that this missense variant is not expected to disrupt NPRL3 protein function with a negative predictive value of 80%. In summary, the available evidence is currently insufficient to determine the role of this variant in disease. Therefore, it has been classified as a Variant of Uncertain Significance.